The following is an entry in ClinVar:

ClinVar aggregate classification (germline): Uncertain significance (1 of 4 stars; one submission).

Allele frequency attached by ClinVar (database versions not stated): gnomAD 0.00001; TOPMed 0.00001; ExAC 0.00002; gnomAD exomes 0.00003; ESP Exome Variant Server 0.00008.
gnomAD v4.1: 38 of 1,506,558 alleles (0.0025%); highest among the groups gnomAD compares: Non-Finnish European, 0.0034%; no homozygotes.

Submission:

Labcorp Genetics (formerly Invitae), Labcorp
Classification: Uncertain significance. Last evaluated: 2023-06-24. Review status: criteria provided, single submitter. Criteria: Invitae Variant Classification Sherloc (09022015). Collection method: clinical testing. Allele origin: germline.
Comment: In summary, the available evidence is currently insufficient to determine the role of this variant in disease. Therefore, it has been classified as a Variant of Uncertain Significance. Algorithms developed to predict the effect of sequence changes on RNA splicing suggest that this variant may disrupt the consensus splice site. Algorithms developed to predict the effect of missense changes on protein structure and function output the following: SIFT: "Not Available"; PolyPhen-2: "Benign"; Align-GVGD: "Not Available". The serine amino acid residue is found in multiple mammalian species, which suggests that this missense change does not adversely affect protein function. This variant has not been reported in the literature in individuals affected with IL12RB2-related conditions. This variant is present in population databases (rs375071340, gnomAD 0.008%). This sequence change replaces asparagine, which is neutral and polar, with serine, which is neutral and polar, at codon 271 of the IL12RB2 protein (p.Asn271Ser).

NM_001374259.2(IL12RB2):c.812A>G (p.Asn271Ser)

Gene: IL12RB2 (interleukin 12 receptor subunit beta 2; plus strand). Cytogenetic location: 1p31.3.
Variant type: single nucleotide variant.
Coding change: c.812A>G on transcript NM_001374259.2 (MANE Select); coding-DNA position 812, A replaced by G.
Protein change: p.Asn271Ser; replaces asparagine 271 with serine.
Molecular consequence: missense variant. On other transcripts: non-coding transcript variant (2).
Genome position (GRCh38, 1-based): chr1:67,330,664, A>G. VCF-style: chr1-67330664-A-G. GRCh37 (hg19) VCF-style: chr1-67796347-A-G.
Other names: c.812A>G, p.Asn271Ser (NM_001559.3, NM_001258214.1, NM_001258215.1 and 2 more transcripts); short protein forms N271S.
Identifiers: ClinVar variation 2999320 (VCV002999320.3), dbSNP rs375071340, ClinGen allele CA900312.
Genomic context (GRCh38, chr1:67,330,664, plus strand): 5'-TCCTTAAATTAGCAATCTAGTATTAATAGGCACTTTAAAAAAATGTCTGTTTCAAGGTTA[A>G]TGTTACAAAGGCCAAAGGAAGACATGATTTGCTGGATCTGAAACCATTTACAGAATATGA-3'
Protein context (NP_001361188.1, residues 261-281): PSNSRLWNMV[Asn271Ser]VTKAKGRHDL